The following is an entry in ClinVar:

ClinVar aggregate classification (germline): Likely benign. Review status: criteria provided, single submitter (1 of 4 stars). 2 submissions from 2 submitters: Likely benign (1). 1 of the submissions does not count toward it. Last evaluated 2025-09-28.

Conditions:
Myopathy, proximal, and ophthalmoplegia (CMYO6). Also called: MYOPATHY WITH CONGENITAL JOINT CONTRACTURES, OPHTHALMOPLEGIA, AND RIMMED VACUOLES; INCLUSION BODY MYOPATHY 3, AUTOSOMAL DOMINANT; CONGENITAL MYOPATHY 6 WITH OPHTHALMOPLEGIA. Identifiers: Orphanet 363677, Orphanet 79091, MedGen C1854106, MONDO:0011577, OMIM 605637.
MYH2-related disorder. Also called: MYH2-related condition.

Allele frequency attached by ClinVar (database versions not stated): ExAC 0.00002; gnomAD exomes 0.00002 and 0.00003; gnomAD 0.00014; 1000 Genomes Project 30x 0.00016; TOPMed 0.00016; 1000 Genomes Project 0.00020; ESP Exome Variant Server 0.00023.
gnomAD v4.1: 52 of 1,614,068 alleles (0.0032%); highest among the groups gnomAD compares: African/African-American, 0.059%; no homozygotes.

Submissions (2):

Labcorp Genetics (formerly Invitae), Labcorp
Classification: Likely benign for Myopathy, proximal, and ophthalmoplegia. Last evaluated: 2025-09-28. Review status: criteria provided, single submitter. Criteria: Invitae Variant Classification Sherloc (09022015). Collection method: clinical testing. Allele origin: germline.

PreventionGenetics, part of Exact Sciences
Classification: Likely benign for MYH2-related condition. Last evaluated: 2022-11-15. Review status: no assertion criteria provided. Collection method: clinical testing. Allele origin: germline. Not counted in ClinVar's aggregate classification.
Comment: This variant is classified as likely benign based on ACMG/AMP sequence variant interpretation guidelines (Richards et al. 2015 PMID: 25741868, with internal and published modifications).

NM_017534.6(MYH2):c.5577+7C>A

Genes: MYHAS (myosin heavy chain gene cluster antisense RNA; plus strand), MYH2 (myosin heavy chain 2; minus strand). Cytogenetic location: 17p13.1.
Variant type: single nucleotide variant.
Coding change: c.5577+7C>A on transcript NM_017534.6 (MANE Select); 7 bases into the intron after coding-DNA position 5577, C replaced by A.
Molecular consequence: intron variant.
Genome position (GRCh38, 1-based): chr17:10,523,301, G>T on the plus strand (C>A on the coding strand, the complement: MYH2 is on the minus strand). VCF-style: chr17-10523301-G-T. GRCh37 (hg19) VCF-style: chr17-10426618-G-T.
Other names: c.5577+7C>A (NM_001100112.2, NM_017534.5).
Identifiers: ClinVar variation 1132483 (VCV001132483.9), dbSNP rs370883162, ClinGen allele CA8390366.